The following is an entry in ClinVar:

NM_001148.6(ANK2):c.5457G>A (p.Ala1819=)

Genes: ANK2 (ankyrin 2; plus strand), LOC126807136 (MED14-independent group 3 enhancer GRCh37_chr4:114274931-114276130; plus strand). Cytogenetic location: 4q26.
Variant type: single nucleotide variant.
Coding change: c.5457G>A on transcript NM_001148.6 (MANE Select); coding-DNA position 5457, G replaced by A.
Protein change: p.Ala1819=; no amino-acid change (alanine 1819 retained).
Molecular consequence: synonymous variant. On other transcripts: intron variant (68).
Genome position (GRCh38, 1-based): chr4:113,354,075, G>A. VCF-style: chr4-113354075-G-A. GRCh37 (hg19) VCF-style: chr4-114275231-G-A.
Other names: c.5223G>A, p.Ala1741= (NM_001386142.1); c.1857G>A, p.Ala619= (NM_001386166.1); c.5598G>A, p.Ala1866= (NM_001386174.1); c.5574G>A, p.Ala1858= (NM_001386175.1); c.4411+3826G>A (NM_001386186.2, NM_001386148.2); c.4213+3826G>A (NM_001354269.3); c.4291+3826G>A (NM_001386187.2); c.4252+3826G>A (NM_001386147.1); and 35 more.
Identifiers: ClinVar variation 457042 (VCV000457042.24), dbSNP rs138113206, ClinGen allele CA3051234.

ClinVar aggregate classification (germline): Likely benign. Review status: criteria provided, multiple submitters, no conflicts (2 of 4 stars). 6 submissions from 6 submitters: Likely benign (6). Last evaluated 2025-12-09.

Conditions:
ANK2-related disorder. Also called: ANK2-related condition.
Cardiovascular phenotype. Identifiers: MedGen CN230736.
Long QT syndrome (LQTS). Identifiers: MedGen C0023976, MeSH D008133, MONDO:0002442. Disease mechanism: loss of function. Inheritance: Various modes of inheritance.

Allele frequency attached by ClinVar (database versions not stated): gnomAD exomes 0.00005; ExAC 0.00007; gnomAD 0.00014 and 0.00016; ESP Exome Variant Server 0.00023; TOPMed 0.00029; 1000 Genomes Project 0.00060; 1000 Genomes Project 30x 0.00062.
gnomAD v4.1: 68 of 1,613,988 alleles (0.0042%); highest among the groups gnomAD compares: African/African-American, 0.049%; no homozygotes.

Submissions (6):

PreventionGenetics, part of Exact Sciences
Classification: Likely benign for ANK2-related condition. Last evaluated: 2025-12-09. Review status: criteria provided, single submitter. Criteria: ACMG Guidelines, 2015. Collection method: clinical testing. Allele origin: germline.
Comment: This variant is classified as likely benign based on ACMG/AMP sequence variant interpretation guidelines (Richards et al. 2015 PMID: 25741868, with internal and published modifications).

Labcorp Genetics (formerly Invitae), Labcorp
Classification: Likely benign for Long QT syndrome. Last evaluated: 2025-10-27. Review status: criteria provided, single submitter. Criteria: Invitae Variant Classification Sherloc (09022015). Collection method: clinical testing. Allele origin: germline.

Blueprint Genetics
Classification: Likely benign. Last evaluated: 2024-11-08. Review status: criteria provided, single submitter. Criteria: ACMG Guidelines, 2015. Collection method: clinical testing. Allele origin: germline.

ARUP Laboratories, Molecular Genetics and Genomics, ARUP Laboratories
Classification: Likely benign. Last evaluated: 2019-03-03. Review status: criteria provided, single submitter. Criteria: ARUP Molecular Germline Variant Investigation Process. Collection method: clinical testing. Allele origin: germline.

GeneDx
Classification: Likely benign. Last evaluated: 2018-08-01. Review status: criteria provided, single submitter. Criteria: GeneDx Variant Classification Process June 2021. Collection method: clinical testing. Allele origin: germline. Affected: yes.

Ambry Genetics
Classification: Likely benign for Cardiovascular phenotype. Last evaluated: 2016-08-16. Review status: criteria provided, single submitter. Criteria: Ambry Variant Classification Scheme 2023. Collection method: clinical testing. Allele origin: germline.